The following is an entry in ClinVar:

NM_001369.3(DNAH5):c.4950G>A (p.Lys1650=)

Genes: DNAH5 (dynein axonemal heavy chain 5; minus strand), LOC126807318 (MED14-independent group 3 enhancer GRCh37_chr5:13858976-13860175; plus strand). Cytogenetic location: 5p15.2.
Variant type: single nucleotide variant.
Coding change: c.4950G>A on transcript NM_001369.3 (MANE Select); coding-DNA position 4950, G replaced by A.
Protein change: p.Lys1650=; no amino-acid change (lysine 1650 retained).
Molecular consequence: synonymous variant.
Genome position (GRCh38, 1-based): chr5:13,859,452, C>T on the plus strand (G>A on the coding strand, the complement: DNAH5 is on the minus strand). VCF-style: chr5-13859452-C-T. GRCh37 (hg19) VCF-style: chr5-13859561-C-T.
Identifiers: ClinVar variation 855768 (VCV000855768.5), dbSNP rs1768073068, ClinGen allele CA443260357.

ClinVar aggregate classification (germline): Uncertain significance. Review status: criteria provided, single submitter (1 of 4 stars). 2 submissions from 2 submitters: Uncertain significance (1). 1 of the submissions does not count toward it. Last evaluated 2019-09-23.

Conditions:
Primary ciliary dyskinesia. Also called: Ciliary dyskinesia. Identifiers: Orphanet 244, MedGen C0008780, MONDO:0016575, HP:0012265.

Submissions (2):

Labcorp Genetics (formerly Invitae), Labcorp
Classification: Uncertain significance for Primary ciliary dyskinesia. Last evaluated: 2019-09-23. Review status: criteria provided, single submitter. Criteria: Invitae Variant Classification Sherloc (09022015). Collection method: clinical testing. Allele origin: germline.
Comment: This sequence change affects codon 1650 of the DNAH5 mRNA. It is a 'silent' change, meaning that it does not change the encoded amino acid sequence of the DNAH5 protein. This variant also falls at the last nucleotide of exon 30 of the DNAH5 coding sequence, which is part of the consensus splice site for this exon. This variant is not present in population databases (ExAC no frequency). This variant has not been reported in the literature in individuals with DNAH5-related conditions. Nucleotide substitutions within the consensus splice site are a relatively common cause of aberrant splicing (PMID: 17576681, 9536098). Algorithms developed to predict the effect of sequence changes on RNA splicing suggest that this variant may disrupt the consensus splice site, but this prediction has not been confirmed by published transcriptional studies. In summary, the available evidence is currently insufficient to determine the role of this variant in disease. Therefore, it has been classified as a Variant of Uncertain Significance.

Natera, Inc.
Classification: Uncertain significance for Primary ciliary dyskinesia. Last evaluated: 2020-07-15. Review status: no assertion criteria provided. Collection method: clinical testing. Allele origin: germline. Not counted in ClinVar's aggregate classification.